The following is an entry in ClinVar:

NM_001267550.2(TTN):c.57127del (p.Glu19042_Val19043insTer)

Genes: TTN (titin; minus strand), TTN-AS1 (TTN antisense RNA 1; plus strand). Cytogenetic location: 2q31.2.
Variant type: Deletion.
Coding change: c.57127del on transcript NM_001267550.2 (MANE Select); coding-DNA position 57127, one base deleted (G; older notation c.57127delG).
Protein change: p.Glu19042_Val19043insTer.
Molecular consequence: nonsense.
Genome position (GRCh38, 1-based): chr2:178,598,043, C deleted on the plus strand (G on the coding strand, the reverse complement: TTN is on the minus strand). VCF-style (leftmost placement, unchanged base first): chr2-178598042-AC-A. GRCh37 (hg19) VCF-style: chr2-179462769-AC-A.
Other names: c.29932delG (NM_003319.4); c.52204del, p.Glu17401_Val17402insTer (NM_001256850.1); c.29932del, p.Glu9977_Val9978insTer (NM_003319.4); c.49423del, p.Glu16474_Val16475insTer (NM_133378.4); c.30307del, p.Glu10102_Val10103insTer (NM_133432.3); c.30508del, p.Glu10169_Val10170insTer (NM_133437.4); c.57127del (NM_001267550.1).
Identifiers: ClinVar variation 1065910 (VCV001065910.16), dbSNP rs2052216955, ClinGen allele CA1039712797.

ClinVar aggregate classification (germline): Likely pathogenic. Review status: criteria provided, multiple submitters, no conflicts (2 of 4 stars). 3 submissions from 3 submitters: Likely pathogenic (3). Last evaluated 2025-09-16.

Conditions:
Cardiovascular phenotype. Identifiers: MedGen CN230736.
Dilated cardiomyopathy 1G (CMD1G). Identifiers: Orphanet 154, MedGen C1858763, MONDO:0011400, OMIM 604145.
Autosomal recessive limb-girdle muscular dystrophy type 2J (LGMDR10). Also called: Limb-girdle muscular dystrophy, type 2J; MUSCULAR DYSTROPHY, LIMB-GIRDLE, AUTOSOMAL RECESSIVE 10. Identifiers: Orphanet 140922, MedGen C1837342, MONDO:0012127, OMIM 608807.

Allele frequency attached by ClinVar (database versions not stated): TOPMed below 0.00001; gnomAD 0.00001.

Submissions (3):

Labcorp Genetics (formerly Invitae), Labcorp
Classification: Likely pathogenic for Dilated cardiomyopathy 1G; Autosomal recessive limb-girdle muscular dystrophy type 2J. Last evaluated: 2025-09-16. Review status: criteria provided, single submitter. Criteria: Invitae Variant Classification Sherloc (09022015). Collection method: clinical testing. Allele origin: germline.
Comment: This sequence change creates a premature translational stop signal (p.Val19043*) in the TTN gene. While this is not anticipated to result in nonsense mediated decay, it is expected to create a truncated TTN protein. This variant is not present in population databases (gnomAD no frequency). This premature translational stop signal has been observed in individual(s) with clinical features of TTN-related conditions (internal data). ClinVar contains an entry for this variant (Variation ID: 1065910). This variant is located in the A band of TTN (PMID: 25589632). Truncating variants in this region are significantly overrepresented in patients affected with dilated cardiomyopathy (PMID: 25589632). Truncating variants in this region have also been reported in individuals affected with autosomal recessive centronuclear myopathy (PMID: 23975875). In summary, the currently available evidence indicates that the variant is pathogenic, but additional data are needed to prove that conclusively. Therefore, this variant has been classified as Likely Pathogenic.

Ambry Genetics
Classification: Likely pathogenic for Cardiovascular phenotype. Last evaluated: 2025-04-10. Review status: criteria provided, single submitter. Criteria: Ambry Variant Classification Scheme 2023. Collection method: clinical testing. Allele origin: germline.
Comment: The c.29932delG variant, located in coding exon 120 of the TTN gene, results from a deletion of one nucleotide at nucleotide position 29932, changes the amino acid from a valine to a stop codon (p.V9978*). This exon is located in the A-band region of the N2-B isoform of the titin protein and is constitutively expressed in TTN transcripts (percent spliced in or PSI 100%). This variant is considered to be rare based on population cohorts in the Genome Aggregation Database (gnomAD). This variant was reported in individual(s) with features consistent with dilated cardiomyopathy (Ambry internal data). This variant is expected to result in loss of function by premature protein truncation or nonsense-mediated mRNA decay. While truncating variants in TTN are present in 1-3% of the general population, truncating variants in the A-band are the most common cause of dilated cardiomyopathy (Herman DS et al. N. Engl. J. Med., 2012 Feb;366:619-28; Roberts AM et al. Sci Transl Med, 2015 Jan;7:270ra6). TTN truncating variants encoded in constitutive exons (PSI >90%) have been found to be significantly associated with DCM regardless of their position in titin (Schafer S et al. Nat. Genet., 2017 01;49:46-53; Akhtar MM et al. Circ Heart Fail, 2020 Oct;13:e006832; Massier M et al. Clin Genet, 2025 Jan). Based on the majority of available evidence to date, this variant is likely to be pathogenic.

GeneDx
Classification: Likely pathogenic. Last evaluated: 2023-09-07. Review status: criteria provided, single submitter. Criteria: GeneDx Variant Classification Process June 2021. Collection method: clinical testing. Allele origin: germline. Affected: yes.
Comment: Nonsense variant predicted to result in protein truncation or nonsense mediated decay in a gene for which loss of function is a known mechanism of disease; Located in the A-band region of TTN in which the majority of loss of function variants have been associated with autosomal dominant titinopathies (Herman et al., 2012); Not observed at significant frequency in large population cohorts (gnomAD); Has not been previously published as pathogenic or benign to our knowledge; This variant is associated with the following publications: (PMID: 22335739)

Literature cited by the submitters: PubMed 25589632 (cited by Labcorp Genetics (formerly Invitae), Labcorp); PubMed 23975875 (cited by Labcorp Genetics (formerly Invitae), Labcorp).